The following is an entry in ClinVar:

NM_018928.3(PCDHGC4):c.727C>T (p.Gln243Ter)

Genes: PCDHG@ (protocadherin gamma cluster; plus strand), PCDHGA1 (protocadherin gamma subfamily A, 1; plus strand), PCDHGA10 (protocadherin gamma subfamily A, 10; plus strand), PCDHGA11 (protocadherin gamma subfamily A, 11; plus strand), PCDHGA12 (protocadherin gamma subfamily A, 12; plus strand) and 17 more. Cytogenetic location: 5q31.3.
Variant type: single nucleotide variant.
Coding change: c.727C>T on transcript NM_018928.3 (MANE Select); coding-DNA position 727, C replaced by T.
Protein change: p.Gln243Ter; replaces glutamine 243 with a stop codon.
Molecular consequence: nonsense. On other transcripts: intron variant (23).
Genome position (GRCh38, 1-based): chr5:141,485,900, C>T. VCF-style: chr5-141485900-C-T. GRCh37 (hg19) VCF-style: chr5-140865467-C-T.
Other names: c.727C>T, p.Gln243Ter (NM_032406.1); c.2422-8907C>T (NM_018912.3, NM_018923.3, NM_018918.3); c.2425-8907C>T (NM_018915.4, NM_018916.4, NM_018919.3 and 4 more transcripts); c.2410-8907C>T (NM_018922.3); c.2515-8907C>T (NM_018917.4); c.2416-8907C>T (NM_018924.5, NM_018927.4); c.2398-8907C>T (NM_003736.4, NM_018925.3); c.2419-8907C>T (NM_018926.3); and 6 more; short protein forms Q243*.
Identifiers: ClinVar variation 4850225 (VCV004850225.1).
Genomic context (GRCh38, chr5:141,485,900, plus strand): 5'-TCTGGCACCGCAGAGCTCCGGGTATCCGTGCTGGACGTAAACGACAACGCCCCAGCCTTC[C>T]AGCAATCCAGCTACAGGATTAGTGTGTTGGAGAGCGCACCAGCGGGCATGGTGCTCATCC-3'

ClinVar aggregate classification (germline): Likely pathogenic (1 of 4 stars; one submission).

Conditions:
Neurodevelopmental disorder with poor growth and skeletal anomalies. Identifiers: MedGen C5676990, MONDO:0859252, OMIM 619880.

Submission:

First Genomix Gene Laboratory, Genetic Diagnostics Department
Classification: Likely pathogenic for Neurodevelopmental disorder with poor growth and skeletal anomalies. Last evaluated: 2025-08-28. Review status: criteria provided, single submitter. Criteria: ACMG Guidelines, 2015. Collection method: clinical testing. Allele origin: germline. Inheritance: Autosomal recessive inheritance. Affected: no. Observed: 1 variant allele.